The following is an entry in ClinVar:

NM_019098.5(CNGB3):c.1481-2A>C

Gene: CNGB3 (cyclic nucleotide gated channel subunit beta 3; minus strand). Cytogenetic location: 8q21.3.
Variant type: single nucleotide variant.
Coding change: c.1481-2A>C on transcript NM_019098.5 (MANE Select); the canonical splice acceptor site of the intron before coding-DNA position 1481, A replaced by C.
Molecular consequence: splice acceptor variant.
Genome position (GRCh38, 1-based): chr8:86,626,082, T>G on the plus strand (A>C on the coding strand, the complement: CNGB3 is on the minus strand). VCF-style: chr8-86626082-T-G. GRCh37 (hg19) VCF-style: chr8-87638310-T-G.
Identifiers: ClinVar variation 553139 (VCV000553139.3), dbSNP rs1554609978, ClinGen allele CA371442385.
Genomic context (GRCh38, chr8:86,626,082, plus strand): 5'-ATCAATGGCGAGGGCTAACTGGACCGTAGTTGGTAGGGTCTTAAGCAAATCAGACTCATC[T>G]TTATAAAGATAAACACATCAAACCCCGATGCAGAATAATTAATGAAATAAGTCACCAAGG-3'

ClinVar aggregate classification (germline): Likely pathogenic. Review status: criteria provided, single submitter (1 of 4 stars). 2 submissions from 2 submitters: Likely pathogenic (1). 1 of the submissions does not count toward it. Last evaluated 2026-03-13.

Conditions:
Achromatopsia 3 (ACHM3). Also called: ROD MONOCHROMACY 1; ROD MONOCHROMATISM 1; ACHROMATOPSIA WITH MYOPIA; PINGELAPESE BLINDNESS; TOTAL COLORBLINDNESS WITH MYOPIA. Identifiers: Orphanet 49382, MedGen C1849792, MONDO:0009875, OMIM 262300.

Allele frequency attached by ClinVar (database versions not stated): gnomAD exomes below 0.00001.
gnomAD v4.1: 1 of 1,606,342 alleles (0.000062%); highest among the groups gnomAD compares: Non-Finnish European, 0.000085%; no homozygotes.

Submissions (2):

Myriad Genetics, Inc.
Classification: Likely pathogenic for Achromatopsia 3. Last evaluated: 2026-03-13. Review status: criteria provided, single submitter. Criteria: Myriad Autosomal Dominant, Autosomal Recessive and X-Linked Classification Criteria (2023). Collection method: clinical testing. Allele origin: unknown.
Comment: NM_019098.4(CNGB3):c.1481-2A>C is a variant in a canonical splice site classified as likely pathogenic in the context of achromatopsia, CNGB3-related. c.1481-2A>C has not been observed in cases with relevant disease. Relevant functional assessments of this variant are not available in the literature. c.1481-2A>C has not been observed in referenced population frequency databases. In summary, NM_019098.4(CNGB3):c.1481-2A>C is a variant in a canonical splice site in a gene where loss of function is a known mechanism of disease and is predicted to disrupt protein function. Please note: this variant was assessed in the context of healthy population screening.

Counsyl
Classification: Likely pathogenic for Achromatopsia 3. Last evaluated: 2017-08-03. Review status: no assertion criteria provided. Collection method: clinical testing. Allele origin: unknown. Not counted in ClinVar's aggregate classification.